The following continues an entry in ClinVar:

NM_058216.3(RAD51C):c.859A>G (p.Thr287Ala)

Gene: RAD51C. ClinVar aggregate classification (germline): Benign/Likely benign. Benign (18); Likely benign (4).

Submissions 24 to 33 of 33:

PreventionGenetics, part of Exact Sciences
Classification: Benign for RAD51C-related condition. Last evaluated: 2019-03-01. Review status: no assertion criteria provided. Collection method: clinical testing. Allele origin: germline. Not counted in ClinVar's aggregate classification.
Comment: This variant is classified as benign based on ACMG/AMP sequence variant interpretation guidelines (Richards et al. 2015 PMID: 25741868, with internal and published modifications).

True Health Diagnostics
Classification: Likely benign for Hereditary cancer-predisposing syndrome. Last evaluated: 2018-01-05. Review status: no assertion criteria provided. Collection method: clinical testing. Allele origin: germline. Not counted in ClinVar's aggregate classification.

Counsyl
Classification: Likely benign for Fanconi anemia complementation group O. Last evaluated: 2016-06-13. Review status: no assertion criteria provided. Collection method: clinical testing. Allele origin: unknown. Not counted in ClinVar's aggregate classification.

Counsyl
Classification: Likely benign for Breast-ovarian cancer, familial, susceptibility to, 3. Last evaluated: 2016-06-13. Review status: no assertion criteria provided. Collection method: clinical testing. Allele origin: unknown. Not counted in ClinVar's aggregate classification.

Clinical Genetics DNA and cytogenetics Diagnostics Lab, Erasmus MC, Erasmus Medical Center
Classification: Likely benign. Review status: no assertion criteria provided. Collection method: clinical testing. Allele origin: germline. Affected: yes. Study: VKGL Data-share Consensus. Not counted in ClinVar's aggregate classification.

Clinical Genetics Laboratory, Department of Pathology, Netherlands Cancer Institute
Classification: Likely benign. Review status: no assertion criteria provided. Collection method: clinical testing. Allele origin: germline. Affected: yes. Study: VKGL Data-share Consensus. Not counted in ClinVar's aggregate classification.

Department of Pathology and Laboratory Medicine, Sinai Health System
Classification: Benign for Malignant tumor of breast. Review status: no assertion criteria provided. Collection method: clinical testing. Allele origin: unknown. Affected: yes. Observed: 2 variant alleles. Study: The Canadian Open Genetics Repository (COGR). Not counted in ClinVar's aggregate classification.
Comment: The RAD51C p.Thr287Ala variant was identified in 57 of 8266 proband chromosomes (frequency: 0.007) from Australian, British, German, American, Jewish and Other individuals or families with non- BRCA1/BRCA2 (high risk or familial) breast and/or ovarian cancer and was identified in 35 of 6604 control chromosomes (frequency: 0.005) from healthy individuals (Thompson 2012, Neidhardt 2017, Meindl 2009, Lu 2012, Clague 2011, Kushnir 2012, Leeneer 2012, Lu 2012). Three groups assessed RAD51C protein function for this variant, genomic stability and homologous recombination through functional assays and found that the variant is hypomorphic (Meindl 2009, Somyajit 2012, Clague 2011). However, complementation studies of this variant with a mutant RAD51C human fibroblast cell line demonstrated correction of the phenotype. The variant was also identified in dbSNP (ID: rs28363317) as â€šÃ„ÃºOtherâ€šÃ„Ã¹, ClinVar (classified benign by Invitae, GeneDx, Ambry Genetics, Children's Hospital of Philadelphia, Color Genomics; and likely benign by Illumina, Counsyl, Center for Pediatric Genomic Medicine, Children's Mercy Hospital and Clinics), and LOVD 3.0 (9X); but was not identified in Clinvitae, Cosmic, and MutDB databases. The variant was identified in control databases in 1542 (6 homozygous) of 276966 chromosomes at a frequency of 0.006 increasing the likelihood this could be a low frequency benign variant (Genome Aggregation Consortium Feb 27, 2017)". The p.Thr287Ala residue is conserved in mammals and computational analyses (PolyPhen-2, SIFT, AlignGVGD, BLOSUM, MutationTaster) provide inconsistent predictions regarding the impact to the protein; this information is not very predictive of pathogenicity. The variant occurs outside of the splicing consensus sequence and in silico or computational prediction software programs (SpliceSiteFinder, MaxEntScan, NNSPLICE, GeneSplicer, HumanSpliceFinder) do not predict a difference in splicing. In summary, based on the above information this variant meets our laboratory's criteria to be classified as benign.

Genome Diagnostics Laboratory, Amsterdam University Medical Center
Classification: Benign. Review status: no assertion criteria provided. Collection method: clinical testing. Allele origin: germline. Affected: yes. Study: VKGL Data-share Consensus. Not counted in ClinVar's aggregate classification.

Joint Genome Diagnostic Labs from Nijmegen and Maastricht, Radboudumc and MUMC+
Classification: Benign. Review status: no assertion criteria provided. Collection method: clinical testing. Allele origin: germline. Affected: yes. Study: VKGL Data-share Consensus. Not counted in ClinVar's aggregate classification.

Laboratory of Diagnostic Genome Analysis, Leiden University Medical Center (LUMC)
Classification: Likely benign. Review status: no assertion criteria provided. Collection method: clinical testing. Allele origin: germline. Affected: yes. Study: VKGL Data-share Consensus. Not counted in ClinVar's aggregate classification.

Literature cited by the submitters: PubMed 25085752 (cited by Myriad Genetics, Inc.); PubMed 20400964 (cited by 3 submitters); PubMed 24504028 (cited by Quest Diagnostics Nichols Institute San Juan Capistrano and Women's Health and Genetics/Laboratory Corporation of America, LabCorp); PubMed 24082139 (cited by Quest Diagnostics Nichols Institute San Juan Capistrano); PubMed 26406419 (cited by Quest Diagnostics Nichols Institute San Juan Capistrano); PubMed 23117857 (cited by Quest Diagnostics Nichols Institute San Juan Capistrano); PubMed 22476429 (cited by Quest Diagnostics Nichols Institute San Juan Capistrano and Counsyl); PubMed 20697805 (cited by Quest Diagnostics Nichols Institute San Juan Capistrano); PubMed 21990120 (cited by Quest Diagnostics Nichols Institute San Juan Capistrano and Counsyl); PubMed 25470109 (cited by Quest Diagnostics Nichols Institute San Juan Capistrano and Counsyl); PubMed 26740214 (cited by Quest Diagnostics Nichols Institute San Juan Capistrano); PubMed 20723205 (cited by Quest Diagnostics Nichols Institute San Juan Capistrano); PubMed 25086635 (cited by Quest Diagnostics Nichols Institute San Juan Capistrano); PubMed 21980511 (cited by Quest Diagnostics Nichols Institute San Juan Capistrano and Counsyl); PubMed 22725699 (cited by Quest Diagnostics Nichols Institute San Juan Capistrano); PubMed 22370629 (cited by Quest Diagnostics Nichols Institute San Juan Capistrano); PubMed 22451500 (cited by Quest Diagnostics Nichols Institute San Juan Capistrano); PubMed 21537932 (cited by Quest Diagnostics Nichols Institute San Juan Capistrano); PubMed 21750962 (cited by Quest Diagnostics Nichols Institute San Juan Capistrano and Counsyl); PubMed 27153395 (cited by Quest Diagnostics Nichols Institute San Juan Capistrano); PubMed 32606146 (cited by Quest Diagnostics Nichols Institute San Juan Capistrano); PubMed 26483394 (cited by Women's Health and Genetics/Laboratory Corporation of America, LabCorp); PubMed 26057125 (cited by Women's Health and Genetics/Laboratory Corporation of America, LabCorp); PubMed 22167183 (cited by Counsyl); PubMed 26261251 (cited by Counsyl).